The following is an entry in ClinVar:

ClinVar aggregate classification (germline): Uncertain significance (1 of 4 stars; one submission).

Submission:

Ambry Genetics
Classification: Uncertain significance. Last evaluated: 2022-08-19. Review status: criteria provided, single submitter. Criteria: Ambry Variant Classification Scheme 2023. Collection method: clinical testing. Allele origin: germline.
Comment: The p.E1764V variant (also known as c.5291A>T), located in coding exon 40 of the PRKDC gene, results from an A to T substitution at nucleotide position 5291. The glutamic acid at codon 1764 is replaced by valine, an amino acid with dissimilar properties. This amino acid position is conserved. In addition, this alteration is predicted to be tolerated by in silico analysis. Since supporting evidence is limited at this time, the clinical significance of this alteration remains unclear.

NM_006904.7(PRKDC):c.5291A>T (p.Glu1764Val)

Gene: PRKDC (protein kinase, DNA-activated, catalytic subunit; minus strand). Cytogenetic location: 8q11.21.
Variant type: single nucleotide variant.
Coding change: c.5291A>T on transcript NM_006904.7 (MANE Select); coding-DNA position 5291, A replaced by T.
Protein change: p.Glu1764Val; replaces glutamic acid 1764 with valine.
Molecular consequence: missense variant.
Genome position (GRCh38, 1-based): chr8:47,877,796, T>A on the plus strand (A>T on the coding strand, the complement: PRKDC is on the minus strand). VCF-style: chr8-47877796-T-A. GRCh37 (hg19) VCF-style: chr8-48790357-T-A.
Other names: c.5291A>T, p.Glu1764Val (NM_001081640.2); short protein forms E1764V.
Identifiers: ClinVar variation 1746640 (VCV001746640.2), dbSNP rs2551872041, ClinGen allele CA371137785.